The following is an entry in ClinVar:

ClinVar aggregate classification (germline): Uncertain significance (1 of 4 stars; one submission).

Conditions:
Hyper-IgM syndrome type 5 (HIGM5). Also called: Hyper-IgM Immunodeficiency Syndrome, Type 5. Identifiers: Orphanet 101092, MedGen C1720958, MONDO:0011971, OMIM 608106.

Allele frequency attached by ClinVar (database versions not stated): gnomAD exomes below 0.00001.

Submission:

Labcorp Genetics (formerly Invitae), Labcorp
Classification: Uncertain significance for Hyper-IgM syndrome type 5. Last evaluated: 2022-05-03. Review status: criteria provided, single submitter. Criteria: Invitae Variant Classification Sherloc (09022015). Collection method: clinical testing. Allele origin: germline.
Comment: In summary, the available evidence is currently insufficient to determine the role of this variant in disease. Therefore, it has been classified as a Variant of Uncertain Significance. Algorithms developed to predict the effect of missense changes on protein structure and function are either unavailable or do not agree on the potential impact of this missense change (SIFT: "Deleterious"; PolyPhen-2: "Possibly Damaging"; Align-GVGD: "Class C0"). This variant has not been reported in the literature in individuals affected with UNG-related conditions. This variant is not present in population databases (gnomAD no frequency). This sequence change replaces leucine, which is neutral and non-polar, with phenylalanine, which is neutral and non-polar, at codon 211 of the UNG protein (p.Leu211Phe).

NM_080911.3(UNG):c.631C>T (p.Leu211Phe)

Gene: UNG (uracil DNA glycosylase; plus strand). Cytogenetic location: 12q24.11.
Variant type: single nucleotide variant.
Coding change: c.631C>T on transcript NM_080911.3 (MANE Select); coding-DNA position 631, C replaced by T.
Protein change: p.Leu211Phe; replaces leucine 211 with phenylalanine.
Molecular consequence: missense variant.
Genome position (GRCh38, 1-based): chr12:109,103,441, C>T. VCF-style: chr12-109103441-C-T. GRCh37 (hg19) VCF-style: chr12-109541246-C-T.
Other names: c.604C>T, p.Leu202Phe (NM_003362.4); short protein forms L202F, L211F.
Identifiers: ClinVar variation 1906907 (VCV001906907.5), dbSNP rs2042193445, ClinGen allele CA386473405.
Genomic context (GRCh38, chr12:109,103,441, plus strand): 5'-TTGGGCTGATTTGCCTGAGCCTACATTTAACCTGTTTCTCTCATGTGTATAGGTGTTCTC[C>T]TTCTCAACGCTGTCCTCACGGTTCGTGCCCATCAAGCCAACTCTCATAAGGAGCGAGGCT-3'
Protein context (NP_550433.1, residues 201-221): LSGWAKQGVL[Leu211Phe]LNAVLTVRAH